The following is an entry in ClinVar:

ClinVar aggregate classification (germline): Uncertain significance (1 of 4 stars; one submission).

Conditions:
Inborn genetic diseases. Identifiers: MedGen C0950123, MeSH D030342.

Submission:

Ambry Genetics
Classification: Uncertain significance for Inborn genetic diseases. Last evaluated: 2026-09-05. Review status: criteria provided, single submitter. Criteria: Ambry Variant Classification Scheme 2023. Collection method: clinical testing. Allele origin: germline.
Comment: The p.E1272A variant (also known as c.3815A>C), located in coding exon 26 of the ANKRD26 gene, results from an A to C substitution at nucleotide position 3815. The glutamic acid at codon 1272 is replaced by alanine, an amino acid with dissimilar properties. This amino acid position is conserved. In addition, this alteration is predicted to be tolerated by in silico analysis. Based on the available evidence, the clinical significance of this variant remains unclear.

NM_014915.3(ANKRD26):c.3815A>C (p.Glu1272Ala)

Gene: ANKRD26 (ankyrin repeat domain 26; minus strand). Cytogenetic location: 10p12.1.
Variant type: single nucleotide variant.
Coding change: c.3815A>C on transcript NM_014915.3 (MANE Select); coding-DNA position 3815, A replaced by C.
Protein change: p.Glu1272Ala; replaces glutamic acid 1272 with alanine.
Molecular consequence: missense variant.
Genome position (GRCh38, 1-based): chr10:27,029,349, T>G on the plus strand (A>C on the coding strand, the complement: ANKRD26 is on the minus strand). VCF-style: chr10-27029349-T-G. GRCh37 (hg19) VCF-style: chr10-27318278-T-G.
Other names: c.3812A>C, p.Glu1271Ala (NM_001256053.2); short protein forms E1272A, E1271A.
Identifiers: ClinVar variation 5023778 (VCV005023778.1).
Genomic context (GRCh38, chr10:27,029,349, plus strand): 5'-TGCTTGTGATCTTGCATCTTCTCAGCACATCTGACAGCTTCTGTATGTCGATCCTGTGCT[T>G]CTTGCAACTAAAACAAAGAATAAAAAAAACCCACTTTACTAATAATCTAGTACACATCTG-3'
Protein context (NP_055730.2, residues 1262-1282): KLGQIRNQLQ[Glu1272Ala]AQDRHTEAVR